The following is an entry in ClinVar:

NM_001164462.2(MUC12):c.12852A>C (p.Thr4284=)

Gene: MUC12 (mucin 12, cell surface associated; plus strand). Cytogenetic location: 7q22.1.
Variant type: single nucleotide variant.
Coding change: c.12852A>C on transcript NM_001164462.2 (MANE Select); coding-DNA position 12852, A replaced by C.
Protein change: p.Thr4284=; no amino-acid change (threonine 4284 retained).
Molecular consequence: synonymous variant.
Genome position (GRCh38, 1-based): chr7:101,003,415, A>C. VCF-style: chr7-101003415-A-C. GRCh37 (hg19) VCF-style: chr7-100646696-A-C.
Identifiers: ClinVar variation 2657823 (VCV002657823.24), dbSNP rs1227655440, ClinGen allele CA456915510.

ClinVar aggregate classification (germline): Likely benign (1 of 4 stars; one submission).

Allele frequency attached by ClinVar (database versions not stated): gnomAD 0.00001.

Submission:

CeGaT Center for Human Genetics Tuebingen
Classification: Likely benign. Last evaluated: 2023-01-01. Review status: criteria provided, single submitter. Criteria: CeGaT Center For Human Genetics Tuebingen Variant Classification Criteria Version 2. Collection method: clinical testing. Allele origin: germline. Affected: yes. Observed: 1 variant allele.
Comment: MUC12: BP4, BP7